The following is an entry in ClinVar:

NM_000051.4(ATM):c.8495G>T (p.Arg2832Leu)

Genes: ATM (ATM serine/threonine kinase; plus strand), C11orf65 (chromosome 11 open reading frame 65; minus strand). Cytogenetic location: 11q22.3.
Variant type: single nucleotide variant.
Coding change: c.8495G>T on transcript NM_000051.4 (MANE Select); coding-DNA position 8495, G replaced by T.
Protein change: p.Arg2832Leu; replaces arginine 2832 with leucine.
Molecular consequence: missense variant. On other transcripts: intron variant (2).
Genome position (GRCh38, 1-based): chr11:108,345,819, G>T. VCF-style: chr11-108345819-G-T. GRCh37 (hg19) VCF-style: chr11-108216546-G-T.
Other names: NM_000051.4(ATM):c.8495G>T; p.Arg2832Leu; c.695-10527C>A (NM_001351110.2); c.8495G>T, p.Arg2832Leu (NM_001351834.2); c.641-36748C>A (NM_001330368.2); short protein forms R2832L.
Identifiers: ClinVar variation 430406 (VCV000430406.22), dbSNP rs529296539, ClinGen allele CA382518109.

ClinVar aggregate classification (germline): Pathogenic. Review status: reviewed by expert panel (3 of 4 stars). 8 submissions from 8 submitters: Pathogenic (1). 7 of the submissions do not count toward it. Last evaluated 2026-08-04.

Conditions:
ATM-related cancer predisposition. Also called: ATM-related cancer susceptibility. Identifiers: MedGen CN377759, MONDO:0700270.
Hereditary cancer-predisposing syndrome. Also called: Neoplastic Syndromes, Hereditary; Hereditary Cancer Syndrome; Tumor predisposition; Hereditary neoplastic syndrome. Identifiers: Orphanet 140162, MedGen C0027672, MeSH D009386, MONDO:0015356.
Ataxia-telangiectasia syndrome (AT). Also called: LOUIS-BAR SYNDROME; Cerebello-oculocutaneous telangiectasia; Immunodeficiency with ataxia telangiectasia; Ataxia-telangiectasia, complementation group D; AT, COMPLEMENTATION GROUP C; Ataxia-telangiectasia, complementation group E. Identifiers: Orphanet 100, MedGen C0004135, MONDO:0008840, OMIM 208900.
Familial cancer of breast. Also called: Hereditary breast cancer; BREAST CANCER, FAMILIAL; hereditary breast carcinoma. Identifiers: Orphanet 227535, MedGen C0346153, MONDO:0016419, OMIM 114480. Disease mechanism: loss of function.

Submissions (8):

ClinGen Hereditary Breast, Ovarian and Pancreatic Cancer Variant Curation Expert Panel, ClinGen
Classification: Pathogenic for ATM-related cancer predisposition. Last evaluated: 2026-08-04. Review status: reviewed by expert panel. Criteria: ClinGen HBOP ACMG Specifications ATM V1.5.0. Collection method: curation. Allele origin: germline. Inheritance: Autosomal dominant inheritance.
Comment: The c.8495G>T variant in ATM is a missense variant predicted to cause substitution of arginine by leucine at amino acid 2832 (p.Arg2832Leu). This variant has been detected in individual(s) with Ataxia-Telangiectasia (personal communication; PMID: 37438524). This variant has been reported to segregate with Ataxia-Telangiectasia in two affected individuals from one family (personal communication). This variant is absent from gnomAD v4.1.1. The computational predictor REVEL gives a score of 0.822, which is above the threshold of 0.733, evidence that correlates with impact to ATM function. In summary, this variant meets the criteria to be classified as pathogenic for autosomal dominant ATM-related cancer predisposition and autosomal recessive Ataxia-Telangiectasia based on the ACMG/AMP criteria applied as specified by the HBOP VCEP. (PM3_Very_Strong, PP1, PP3, PM2_Supporting)

Color Diagnostics, LLC DBA Color Health
Classification: Likely pathogenic for Hereditary cancer-predisposing syndrome. Last evaluated: 2025-08-22. Review status: criteria provided, single submitter. Criteria: ACMG Guidelines, 2015. Collection method: clinical testing. Allele origin: germline. Not counted in ClinVar's aggregate classification.
Comment: This missense variant replaces arginine with leucine at codon 2832 of the ATM protein. Computational prediction suggests that this variant may have deleterious impact on protein structure and function. To our knowledge, functional studies have not been reported for this variant. This variant has been reported in individuals affected with ataxia-telangiectasia (PMID: 37438524, ClinVar: SCV000622825.3, SCV002675381.2). This variant has not been identified in the general population by the Genome Aggregation Database (gnomAD). Two different variant affecting the same codon, c.8494C>T (p.Arg2832Cys) and c.8495G>C (p.Arg2832Pro), are considered to be disease-causing (ClinVar variation IDs: 127459, 429065), suggesting that arginine at this position is important for the protein function. Based on the available evidence, this p.Arg2832Leu variant is classified as Likely Pathogenic.

Natera, Inc.
Classification: Likely pathogenic for Ataxia-telangiectasia. Last evaluated: 2025-05-21. Review status: criteria provided, single submitter. Criteria: Natera Variant Classification Schema (03/2026). Collection method: clinical testing. Allele origin: germline. Not counted in ClinVar's aggregate classification.
Comment: The c.8495G>T variant in ATM is a missense variant predicted to cause substitution of arginine to leucine at amino acid 2832. This variant is rare in the general population with a frequency below the threshold expected for the associated phenotype(s). This variant has been observed in one or more individuals affected with the associated recessive disease, as either homozygous or compound heterozygous with a second variant (PMID: 37438524). A different variant at the same position has been determined to be Pathogenic or Likely Pathogenic. Computational prediction algorithms indicate this variant is likely to affect gene or protein function. Given the available evidence, this variant is classified as Likely Pathogenic.

Ambry Genetics
Classification: Likely pathogenic for Hereditary cancer-predisposing syndrome. Last evaluated: 2025-02-12. Review status: criteria provided, single submitter. Criteria: Ambry Variant Classification Scheme 2023. Collection method: clinical testing. Allele origin: germline. Not counted in ClinVar's aggregate classification.
Comment: The p.R2832L variant (also known as c.8495G>T), located in coding exon 57 of the ATM gene, results from a G to T substitution at nucleotide position 8495. The arginine at codon 2832 is replaced by leucine, an amino acid with dissimilar properties. This alteration has been reported in conjunction with another pathogenic ATM mutation in individuals with features of ataxia telangiectasia (AT) (correspondence with external clinical laboratories). This amino acid position is highly conserved in available vertebrate species. In addition, this alteration is predicted to be deleterious by in silico analysis. This variant is considered to be rare based on population cohorts in the Genome Aggregation Database (gnomAD). Based on the majority of available evidence to date, this variant is likely to be pathogenic.

Myriad Genetics, Inc.
Classification: Likely pathogenic for Familial cancer of breast. Last evaluated: 2025-02-07. Review status: criteria provided, single submitter. Criteria: Myriad Autosomal Dominant, Autosomal Recessive and X-Linked Classification Criteria (2023). Collection method: clinical testing. Allele origin: unknown. Not counted in ClinVar's aggregate classification.
Comment: This variant is considered likely pathogenic. This variant has been reported in multiple individuals with clinical features of gene-specific disease [PMID: 37438524, Myriad internal data]. Functional studies indicate this variant impacts protein function [PMID: 18634022, 21792198]. This variant is expected to disrupt protein structure [Myriad internal data].

Athena Diagnostics
Classification: Likely pathogenic. Last evaluated: 2024-05-16. Review status: criteria provided, single submitter. Criteria: Athena Diagnostics Criteria. Collection method: clinical testing. Allele origin: unknown. Not counted in ClinVar's aggregate classification.
Comment: This variant has not been reported in large, multi-ethnic general populations. This variant has been identified in at least one individual with clinical features associated with this gene. Multiple missense variants at this codon, including at least one considered to be pathogenic or likely pathogenic, have been reported in individuals with clinical features associated with this gene, suggesting this variant may also cause disease. Polyphen and MutationTaster predict this amino acid change may be damaging to the protein.

Labcorp Genetics (formerly Invitae), Labcorp
Classification: Pathogenic for Ataxia-telangiectasia syndrome. Last evaluated: 2024-04-29. Review status: criteria provided, single submitter. Criteria: Invitae Variant Classification Sherloc (09022015). Collection method: clinical testing. Allele origin: germline. Not counted in ClinVar's aggregate classification.
Comment: This sequence change replaces arginine, which is basic and polar, with leucine, which is neutral and non-polar, at codon 2832 of the ATM protein (p.Arg2832Leu). This variant is not present in population databases (gnomAD no frequency). This missense change has been observed in individual(s) with ataxia-telangiectasia (Invitae). In at least one individual the data is consistent with being in trans (on the opposite chromosome) from a pathogenic variant. It has also been observed to segregate with disease in related individuals. ClinVar contains an entry for this variant (Variation ID: 430406). An algorithm developed to predict the effect of missense changes on protein structure and function (PolyPhen-2) suggests that this variant is likely to be disruptive. This variant disrupts the p.Arg2832 amino acid residue in ATM. Other variant(s) that disrupt this residue have been determined to be pathogenic (PMID: 9443866, 10817650, 10873394, 12552559, 18634022). This suggests that this residue is clinically significant, and that variants that disrupt this residue are likely to be disease-causing. For these reasons, this variant has been classified as Pathogenic.

GeneDx
Classification: Likely pathogenic. Last evaluated: 2023-10-10. Review status: criteria provided, single submitter. Criteria: GeneDx Variant Classification Process June 2021. Collection method: clinical testing. Allele origin: germline. Affected: yes. Not counted in ClinVar's aggregate classification.
Comment: Not observed at significant frequency in large population cohorts (gnomAD); In silico analysis supports that this missense variant has a deleterious effect on protein structure/function; Observed in a patient with chronic lymphocytic leukemia; however, it is unclear if the variant was germline or somatic (Landau et al., 2015); This variant is associated with the following publications: (PMID: 23532176, 26466571, 36999792)

Literature cited by the submitters: PubMed 37438524 (cited by 4 submitters); PubMed 18634022 (cited by Myriad Genetics, Inc. and Labcorp Genetics (formerly Invitae), Labcorp); PubMed 21792198 (cited by Myriad Genetics, Inc.); PubMed 9443866 (cited by Labcorp Genetics (formerly Invitae), Labcorp); PubMed 10817650 (cited by Labcorp Genetics (formerly Invitae), Labcorp); PubMed 10873394 (cited by Labcorp Genetics (formerly Invitae), Labcorp); PubMed 12552559 (cited by Labcorp Genetics (formerly Invitae), Labcorp).